The following is an entry in ClinVar:

NM_004273.5(CHST3):c.162G>C (p.Gln54His)

Gene: CHST3 (carbohydrate sulfotransferase 3; plus strand). Cytogenetic location: 10q22.1.
Variant type: single nucleotide variant.
Coding change: c.162G>C on transcript NM_004273.5 (MANE Select); coding-DNA position 162, G replaced by C.
Protein change: p.Gln54His; replaces glutamine 54 with histidine.
Molecular consequence: missense variant.
Genome position (GRCh38, 1-based): chr10:72,007,193, G>C. VCF-style: chr10-72007193-G-C. GRCh37 (hg19) VCF-style: chr10-73766951-G-C.
Other names: short protein forms Q54H.
Identifiers: ClinVar variation 2707124 (VCV002707124.3), dbSNP rs1284424702, ClinGen allele CA377142060.

ClinVar aggregate classification (germline): Uncertain significance (1 of 4 stars; one submission).

Conditions:
Spondyloepiphyseal dysplasia with congenital joint dislocations (SEDCJD). Also called: Chondrodysplasia with Congenital Joint Dislocations, CHST3-Related. Identifiers: Orphanet 263463, MedGen C1837657, MONDO:0007738, OMIM 143095.

Allele frequency attached by ClinVar (database versions not stated): TOPMed below 0.00001; gnomAD 0.00001; gnomAD exomes 0.00001.
gnomAD v4.1: 11 of 1,614,046 alleles (0.00068%); highest among the groups gnomAD compares: African/African-American, 0.0027%; no homozygotes.

Submission:

Labcorp Genetics (formerly Invitae), Labcorp
Classification: Uncertain significance for Spondyloepiphyseal dysplasia with congenital joint dislocations. Last evaluated: 2023-03-26. Review status: criteria provided, single submitter. Criteria: Invitae Variant Classification Sherloc (09022015). Collection method: clinical testing. Allele origin: germline.
Comment: This variant is present in population databases (no rsID available, gnomAD 0.004%). This sequence change replaces glutamine, which is neutral and polar, with histidine, which is basic and polar, at codon 54 of the CHST3 protein (p.Gln54His). This variant has not been reported in the literature in individuals affected with CHST3-related conditions. An algorithm developed to predict the effect of missense changes on protein structure and function (PolyPhen-2) suggests that this variant is likely to be disruptive. In summary, the available evidence is currently insufficient to determine the role of this variant in disease. Therefore, it has been classified as a Variant of Uncertain Significance.